The following is an entry in ClinVar:

ClinVar aggregate classification (germline): Uncertain significance (1 of 4 stars; one submission).

Conditions:
Xanthinuria type II. Also called: Xanthine dehydrogenase and aldehyde oxidase combined deficiency of; XDH and AOX dual deficiency. Identifiers: Orphanet 3467, Orphanet 93602, MedGen C1863688, MONDO:0011346, OMIM 603592.

Allele frequency attached by ClinVar (database versions not stated): gnomAD exomes below 0.00001.

Submission:

Labcorp Genetics (formerly Invitae), Labcorp
Classification: Uncertain significance for Xanthinuria type II. Last evaluated: 2022-05-31. Review status: criteria provided, single submitter. Criteria: Invitae Variant Classification Sherloc (09022015). Collection method: clinical testing. Allele origin: germline.
Comment: Algorithms developed to predict the effect of missense changes on protein structure and function are either unavailable or do not agree on the potential impact of this missense change (SIFT: "Tolerated"; PolyPhen-2: "Possibly Damaging"; Align-GVGD: "Class C0"). This sequence change replaces glutamic acid, which is acidic and polar, with alanine, which is neutral and non-polar, at codon 325 of the XDH protein (p.Glu325Ala). This variant is not present in population databases (gnomAD no frequency). This variant has not been reported in the literature in individuals affected with XDH-related conditions. In summary, the available evidence is currently insufficient to determine the role of this variant in disease. Therefore, it has been classified as a Variant of Uncertain Significance.

NM_000379.4(XDH):c.974A>C (p.Glu325Ala)

Gene: XDH (xanthine dehydrogenase; minus strand). Cytogenetic location: 2p23.1.
Variant type: single nucleotide variant.
Coding change: c.974A>C on transcript NM_000379.4 (MANE Select); coding-DNA position 974, A replaced by C.
Protein change: p.Glu325Ala; replaces glutamic acid 325 with alanine.
Molecular consequence: missense variant.
Genome position (GRCh38, 1-based): chr2:31,383,065, T>G on the plus strand (A>C on the coding strand, the complement: XDH is on the minus strand). VCF-style: chr2-31383065-T-G. GRCh37 (hg19) VCF-style: chr2-31605931-T-G.
Other names: short protein forms E325A.
Identifiers: ClinVar variation 2133771 (VCV002133771.4), dbSNP rs2465391630, ClinGen allele CA346508901.